The following is an entry in ClinVar:

ClinVar aggregate classification (germline): Uncertain significance. Review status: criteria provided, multiple submitters, no conflicts (2 of 4 stars). 2 submissions from 2 submitters: Uncertain significance (2). Last evaluated 2024-04-14.

Conditions:
Hereditary cancer-predisposing syndrome. Also called: Hereditary neoplastic syndrome; Tumor predisposition; Neoplastic Syndromes, Hereditary; Hereditary Cancer Syndrome. Identifiers: Orphanet 140162, MedGen C0027672, MeSH D009386, MONDO:0015356.
Neuroblastoma, susceptibility to, 3. Also called: ALK-Related Neuroblastic Tumor Susceptibility. Identifiers: Orphanet 635, MedGen C2751681, MONDO:0013083, OMIM 613014.

Submissions (2):

Ambry Genetics
Classification: Uncertain significance for Hereditary cancer-predisposing syndrome. Last evaluated: 2024-04-14. Review status: criteria provided, single submitter. Criteria: Ambry Variant Classification Scheme 2023. Collection method: clinical testing. Allele origin: germline.
Comment: The p.P1559S variant (also known as c.4675C>T), located in coding exon 29 of the ALK gene, results from a C to T substitution at nucleotide position 4675. The proline at codon 1559 is replaced by serine, an amino acid with similar properties. This amino acid position is conserved. In addition, this alteration is predicted to be tolerated by in silico analysis. Based on the available evidence, the clinical significance of this variant remains unclear.

Labcorp Genetics (formerly Invitae), Labcorp
Classification: Uncertain significance for Neuroblastoma, susceptibility to, 3. Last evaluated: 2022-03-14. Review status: criteria provided, single submitter. Criteria: Invitae Variant Classification Sherloc (09022015). Collection method: clinical testing. Allele origin: germline.
Comment: This variant is not present in population databases (gnomAD no frequency). This variant has not been reported in the literature in individuals affected with ALK-related conditions. Algorithms developed to predict the effect of missense changes on protein structure and function are either unavailable or do not agree on the potential impact of this missense change (SIFT: "Tolerated"; PolyPhen-2: "Probably Damaging"; Align-GVGD: "Class C0"). In summary, the available evidence is currently insufficient to determine the role of this variant in disease. Therefore, it has been classified as a Variant of Uncertain Significance. This sequence change replaces proline, which is neutral and non-polar, with serine, which is neutral and polar, at codon 1559 of the ALK protein (p.Pro1559Ser).

NM_004304.5(ALK):c.4675C>T (p.Pro1559Ser)

Gene: ALK (ALK receptor tyrosine kinase; minus strand). Cytogenetic location: 2p23.2.
Variant type: single nucleotide variant.
Coding change: c.4675C>T on transcript NM_004304.5 (MANE Select); coding-DNA position 4675, C replaced by T.
Protein change: p.Pro1559Ser; replaces proline 1559 with serine.
Molecular consequence: missense variant.
Genome position (GRCh38, 1-based): chr2:29,193,412, G>A on the plus strand (C>T on the coding strand, the complement: ALK is on the minus strand). VCF-style: chr2-29193412-G-A. GRCh37 (hg19) VCF-style: chr2-29416278-G-A.
Other names: c.4675C>T (NM_004304.4); c.1471C>T, p.Pro491Ser (NM_001353765.2); short protein forms P1559S, P491S.
Identifiers: ClinVar variation 2418613 (VCV002418613.7), dbSNP rs2148137550, ClinGen allele CA346460478.